The following is an entry in ClinVar:

ClinVar aggregate classification (germline): Uncertain significance (1 of 4 stars; one submission).

Submission:

GeneDx
Classification: Uncertain significance. Last evaluated: 2025-06-05. Review status: criteria provided, single submitter. Criteria: GeneDx Variant Classification Process June 2021. Collection method: clinical testing. Allele origin: germline. Affected: yes.
Comment: Not observed at significant frequency in large population cohorts (gnomAD); In silico analysis supports that this missense variant has a deleterious effect on protein structure/function; Has not been previously published as pathogenic or benign to our knowledge

NM_003995.4(NPR2):c.865G>C (p.Ala289Pro)

Gene: NPR2 (natriuretic peptide receptor 2; plus strand). Cytogenetic location: 9p13.3.
Variant type: single nucleotide variant.
Coding change: c.865G>C on transcript NM_003995.4 (MANE Select); coding-DNA position 865, G replaced by C.
Protein change: p.Ala289Pro; replaces alanine 289 with proline.
Molecular consequence: missense variant.
Genome position (GRCh38, 1-based): chr9:35,794,095, G>C. VCF-style: chr9-35794095-G-C. GRCh37 (hg19) VCF-style: chr9-35794092-G-C.
Other names: c.865G>C, p.Ala289Pro (NM_001378923.1); short protein forms A289P.
Identifiers: ClinVar variation 4536391 (VCV004536391.1).